The following is an entry in ClinVar:

ClinVar aggregate classification (germline): Benign (1 of 4 stars; one submission).

Conditions:
Thyroid hormone resistance, generalized, autosomal dominant (GRTHD). Also called: HYPERTHYROXINEMIA, FAMILIAL EUTHYROID, SECONDARY TO PITUITARY AND PERIPHERAL RESISTANCE TO THYROID HORMONES. Identifiers: MedGen C2937288, MONDO:0008569, OMIM 188570.

Allele frequency attached by ClinVar (database versions not stated): 1000 Genomes Project 0.00040; 1000 Genomes Project 30x 0.00062; TOPMed 0.00073; gnomAD 0.00091.

Submission:

Illumina Laboratory Services, Illumina
Classification: Benign for Thyroid hormone resistance, generalized, autosomal dominant. Last evaluated: 2018-01-13. Review status: criteria provided, single submitter. Criteria: ICSL Variant Classification Criteria 13 December 2019. Collection method: clinical testing. Allele origin: germline.
Comment: This variant was observed in the ICSL laboratory as part of a predisposition screen in an ostensibly healthy population. It had not been previously curated by ICSL or reported in the Human Gene Mutation Database (HGMD: prior to June 1st, 2018), and was therefore a candidate for classification through an automated scoring system. Utilizing variant allele frequency, disease prevalence and penetrance estimates, and inheritance mode, an automated score was calculated to assess if this variant is too frequent to cause the disease. Based on the score and internal cut-off values, a variant classified as benign is not then subjected to further curation. The score for this variant resulted in a classification of benign for this disease.

NM_001354712.2(THRB):c.*2534G>A

Gene: THRB (thyroid hormone receptor beta; minus strand). Cytogenetic location: 3p24.2.
Variant type: single nucleotide variant.
Coding change: c.*2534G>A on transcript NM_001354712.2 (MANE Select); 2534 bases downstream of the stop codon, G replaced by A.
Molecular consequence: 3 prime UTR variant.
Genome position (GRCh38, 1-based): chr3:24,120,350, C>T on the plus strand (G>A on the coding strand, the complement: THRB is on the minus strand). VCF-style: chr3-24120350-C-T. GRCh37 (hg19) VCF-style: chr3-24161841-C-T.
Other names: c.*2534G>A (NM_000461.5, NM_001128176.3, NM_001128177.2 and 14 more transcripts).
Identifiers: ClinVar variation 901673 (VCV000901673.4), dbSNP rs530873073, ClinGen allele CA71603006.